The following is an entry in ClinVar:

ClinVar aggregate classification (germline): Benign (0 of 4 stars; one submission).

Conditions:
CPZ-related disorder. Also called: CPZ-related condition.

Allele frequency attached by ClinVar (database versions not stated): ESP Exome Variant Server 0.01030; gnomAD exomes 0.01206; TOPMed 0.01320; gnomAD 0.01359; ExAC 0.01674; 1000 Genomes Project 30x 0.03170; 1000 Genomes Project 0.03514.
gnomAD v4.1: 19,990 of 1,614,042 alleles (1.2%); highest among the groups gnomAD compares: East Asian, 9.8%; 401 homozygotes.

Submissions (33):

PreventionGenetics, part of Exact Sciences
Classification: Benign for CPZ-related condition. Last evaluated: 2019-12-05. Review status: no assertion criteria provided. Collection method: clinical testing. Allele origin: germline.
Comment: This variant is classified as benign based on ACMG/AMP sequence variant interpretation guidelines (Richards et al. 2015 PMID: 25741868, with internal and published modifications).

Dr. Peter K. Rogan Lab, Western University
No classification provided (evidence only). Condition: Clear cell carcinoma of kidney. Review status: no classification provided. Collection method: in vitro. Allele origin: not applicable. Functional consequence: retained intron. Not counted in ClinVar's aggregate classification.

Dr. Peter K. Rogan Lab, Western University
No classification provided (evidence only). Condition: Clear cell carcinoma of kidney. Review status: no classification provided. Collection method: in vitro. Allele origin: not applicable. Functional consequence: retained intron. Not counted in ClinVar's aggregate classification.

Dr. Peter K. Rogan Lab, Western University
No classification provided (evidence only). Condition: Clear cell carcinoma of kidney. Review status: no classification provided. Collection method: in vitro. Allele origin: not applicable. Functional consequence: retained intron. Not counted in ClinVar's aggregate classification.

Dr. Peter K. Rogan Lab, Western University
No classification provided (evidence only). Condition: Clear cell carcinoma of kidney. Review status: no classification provided. Collection method: in vitro. Allele origin: not applicable. Functional consequence: retained intron. Not counted in ClinVar's aggregate classification.

Dr. Peter K. Rogan Lab, Western University
No classification provided (evidence only). Condition: Clear cell carcinoma of kidney. Review status: no classification provided. Collection method: in vitro. Allele origin: not applicable. Functional consequence: retained intron. Not counted in ClinVar's aggregate classification.

Dr. Peter K. Rogan Lab, Western University
No classification provided (evidence only). Condition: Melanoma. Review status: no classification provided. Collection method: in vitro. Allele origin: not applicable. Functional consequence: retained intron. Not counted in ClinVar's aggregate classification.

Dr. Peter K. Rogan Lab, Western University
No classification provided (evidence only). Condition: Acute myeloid leukemia. Review status: no classification provided. Collection method: in vitro. Allele origin: not applicable. Functional consequence: retained intron. Not counted in ClinVar's aggregate classification.

Dr. Peter K. Rogan Lab, Western University
No classification provided (evidence only). Condition: Acute myeloid leukemia. Review status: no classification provided. Collection method: in vitro. Allele origin: not applicable. Functional consequence: retained intron. Not counted in ClinVar's aggregate classification.

Dr. Peter K. Rogan Lab, Western University
No classification provided (evidence only). Condition: Colon adenocarcinoma. Review status: no classification provided. Collection method: in vitro. Allele origin: not applicable. Functional consequence: retained intron. Not counted in ClinVar's aggregate classification.

Dr. Peter K. Rogan Lab, Western University
No classification provided (evidence only). Condition: Colon adenocarcinoma. Review status: no classification provided. Collection method: in vitro. Allele origin: not applicable. Functional consequence: retained intron. Not counted in ClinVar's aggregate classification.

Dr. Peter K. Rogan Lab, Western University
No classification provided (evidence only). Condition: Uterine corpus endometrial carcinoma. Review status: no classification provided. Collection method: in vitro. Allele origin: not applicable. Functional consequence: retained intron. Not counted in ClinVar's aggregate classification.

Dr. Peter K. Rogan Lab, Western University
No classification provided (evidence only). Condition: Uterine corpus endometrial carcinoma. Review status: no classification provided. Collection method: in vitro. Allele origin: not applicable. Functional consequence: retained intron. Not counted in ClinVar's aggregate classification.

Dr. Peter K. Rogan Lab, Western University
No classification provided (evidence only). Condition: Cervical cancer. Review status: no classification provided. Collection method: in vitro. Allele origin: not applicable. Functional consequence: retained intron. Not counted in ClinVar's aggregate classification.

Dr. Peter K. Rogan Lab, Western University
No classification provided (evidence only). Condition: Cervical cancer. Review status: no classification provided. Collection method: in vitro. Allele origin: not applicable. Functional consequence: retained intron. Not counted in ClinVar's aggregate classification.

Dr. Peter K. Rogan Lab, Western University
No classification provided (evidence only). Condition: Sarcoma. Review status: no classification provided. Collection method: in vitro. Allele origin: not applicable. Functional consequence: retained intron. Not counted in ClinVar's aggregate classification.

Dr. Peter K. Rogan Lab, Western University
No classification provided (evidence only). Condition: Sarcoma. Review status: no classification provided. Collection method: in vitro. Allele origin: not applicable. Functional consequence: retained intron. Not counted in ClinVar's aggregate classification.

Dr. Peter K. Rogan Lab, Western University
No classification provided (evidence only). Condition: Nonpapillary renal cell carcinoma. Review status: no classification provided. Collection method: in vitro. Allele origin: not applicable. Functional consequence: retained intron. Not counted in ClinVar's aggregate classification.

Dr. Peter K. Rogan Lab, Western University
No classification provided (evidence only). Condition: Thymoma. Review status: no classification provided. Collection method: in vitro. Allele origin: not applicable. Functional consequence: retained intron. Not counted in ClinVar's aggregate classification.

Dr. Peter K. Rogan Lab, Western University
No classification provided (evidence only). Condition: Thymoma. Review status: no classification provided. Collection method: in vitro. Allele origin: not applicable. Functional consequence: retained intron. Not counted in ClinVar's aggregate classification.

Dr. Peter K. Rogan Lab, Western University
No classification provided (evidence only). Condition: Ovarian serous cystadenocarcinoma. Review status: no classification provided. Collection method: in vitro. Allele origin: not applicable. Functional consequence: retained intron. Not counted in ClinVar's aggregate classification.

Dr. Peter K. Rogan Lab, Western University
No classification provided (evidence only). Condition: Ovarian serous cystadenocarcinoma. Review status: no classification provided. Collection method: in vitro. Allele origin: not applicable. Functional consequence: retained intron. Not counted in ClinVar's aggregate classification.

Dr. Peter K. Rogan Lab, Western University
No classification provided (evidence only). Condition: Ovarian serous cystadenocarcinoma. Review status: no classification provided. Collection method: in vitro. Allele origin: not applicable. Functional consequence: retained intron. Not counted in ClinVar's aggregate classification.

Dr. Peter K. Rogan Lab, Western University
No classification provided (evidence only). Condition: Ovarian serous cystadenocarcinoma. Review status: no classification provided. Collection method: in vitro. Allele origin: not applicable. Functional consequence: retained intron. Not counted in ClinVar's aggregate classification.

Dr. Peter K. Rogan Lab, Western University
No classification provided (evidence only). Condition: Ovarian serous cystadenocarcinoma. Review status: no classification provided. Collection method: in vitro. Allele origin: not applicable. Functional consequence: retained intron. Not counted in ClinVar's aggregate classification.

Dr. Peter K. Rogan Lab, Western University
No classification provided (evidence only). Condition: Ovarian serous cystadenocarcinoma. Review status: no classification provided. Collection method: in vitro. Allele origin: not applicable. Functional consequence: retained intron. Not counted in ClinVar's aggregate classification.

Dr. Peter K. Rogan Lab, Western University
No classification provided (evidence only). Condition: Uterine carcinosarcoma. Review status: no classification provided. Collection method: in vitro. Allele origin: not applicable. Functional consequence: retained intron. Not counted in ClinVar's aggregate classification.

Dr. Peter K. Rogan Lab, Western University
No classification provided (evidence only). Condition: Uveal melanoma. Review status: no classification provided. Collection method: in vitro. Allele origin: not applicable. Functional consequence: retained intron. Not counted in ClinVar's aggregate classification.

Dr. Peter K. Rogan Lab, Western University
No classification provided (evidence only). Condition: Hepatocellular carcinoma. Review status: no classification provided. Collection method: in vitro. Allele origin: not applicable. Functional consequence: retained intron. Not counted in ClinVar's aggregate classification.

Dr. Peter K. Rogan Lab, Western University
No classification provided (evidence only). Condition: Hepatocellular carcinoma. Review status: no classification provided. Collection method: in vitro. Allele origin: not applicable. Functional consequence: retained intron. Not counted in ClinVar's aggregate classification.

Dr. Peter K. Rogan Lab, Western University
No classification provided (evidence only). Condition: Hepatocellular carcinoma. Review status: no classification provided. Collection method: in vitro. Allele origin: not applicable. Functional consequence: retained intron. Not counted in ClinVar's aggregate classification.

Dr. Peter K. Rogan Lab, Western University
No classification provided (evidence only). Condition: Hepatocellular carcinoma. Review status: no classification provided. Collection method: in vitro. Allele origin: not applicable. Functional consequence: retained intron. Not counted in ClinVar's aggregate classification.

Dr. Peter K. Rogan Lab, Western University
No classification provided (evidence only). Condition: Lymphoma. Review status: no classification provided. Collection method: in vitro. Allele origin: not applicable. Functional consequence: retained intron. Not counted in ClinVar's aggregate classification.

NM_001014447.3(CPZ):c.1504-3C>T

Gene: CPZ (carboxypeptidase Z; plus strand). Cytogenetic location: 4p16.1.
Variant type: single nucleotide variant.
Coding change: c.1504-3C>T on transcript NM_001014447.3 (MANE Select); 3 bases into the intron before coding-DNA position 1504, C replaced by T.
Molecular consequence: intron variant.
Genome position (GRCh38, 1-based): chr4:8,618,426, C>T. VCF-style: chr4-8618426-C-T. GRCh37 (hg19) VCF-style: chr4-8620153-C-T.
Other names: NC_000004.11:g.8620153C>T; c.1093-3C>T (NM_001014448.3); c.1471-3C>T (NM_003652.4).
Identifiers: ClinVar variation 3055739 (VCV003055739.3), dbSNP rs12650877, ClinGen allele CA2853913.